The following is an entry in ClinVar:

ClinVar aggregate classification (germline): Likely benign. Review status: criteria provided, single submitter (1 of 4 stars). 2 submissions from 2 submitters: Likely benign (1). 1 of the submissions does not count toward it. Last evaluated 2025-06-12.

Conditions:
ITGB4-related disorder. Also called: ITGB4-related condition.

Allele frequency attached by ClinVar (database versions not stated): gnomAD 0.00003; gnomAD exomes 0.00003; TOPMed 0.00006; ExAC 0.00003.
gnomAD v4.1: 44 of 1,613,900 alleles (0.0027%); highest among the groups gnomAD compares: African/African-American, 0.011%; no homozygotes.

Submissions (2):

Labcorp Genetics (formerly Invitae), Labcorp
Classification: Likely benign. Last evaluated: 2025-06-12. Review status: criteria provided, single submitter. Criteria: Invitae Variant Classification Sherloc (09022015). Collection method: clinical testing. Allele origin: germline.

PreventionGenetics, part of Exact Sciences
Classification: Likely benign for ITGB4-related condition. Last evaluated: 2024-06-16. Review status: no assertion criteria provided. Collection method: clinical testing. Allele origin: germline. Not counted in ClinVar's aggregate classification.
Comment: This variant is classified as likely benign based on ACMG/AMP sequence variant interpretation guidelines (Richards et al. 2015 PMID: 25741868, with internal and published modifications).

NM_000213.5(ITGB4):c.159C>T (p.Asp53=)

Gene: ITGB4 (integrin subunit beta 4; plus strand). Cytogenetic location: 17q25.1.
Variant type: single nucleotide variant.
Coding change: c.159C>T on transcript NM_000213.5 (MANE Select); coding-DNA position 159, C replaced by T.
Protein change: p.Asp53=; no amino-acid change (aspartic acid 53 retained).
Molecular consequence: synonymous variant.
Genome position (GRCh38, 1-based): chr17:75,727,274, C>T. VCF-style: chr17-75727274-C-T. GRCh37 (hg19) VCF-style: chr17-73723354-C-T.
Other names: c.159C>T, p.Asp53= (NM_001005619.2, NM_001005731.3, NM_001321123.2).
Identifiers: ClinVar variation 2959739 (VCV002959739.4), dbSNP rs774764615, ClinGen allele CA8768559.